The following is an entry in ClinVar:

ClinVar aggregate classification (germline): Uncertain significance (1 of 4 stars; one submission).

Conditions:
PLEC-related disorder. Also called: PLEC-related condition; PLEC-related disorders.

gnomAD v4.1: 7 of 1,612,134 alleles (0.00043%); highest among the groups gnomAD compares: South Asian, 0.0033%; no homozygotes.

Submission:

PreventionGenetics, part of Exact Sciences
Classification: Uncertain significance for PLEC-related condition. Last evaluated: 2026-02-19. Review status: criteria provided, single submitter. Criteria: ACMG Guidelines, 2015. Collection method: clinical testing. Allele origin: germline.
Comment: The PLEC c.1676T>C variant is predicted to result in the amino acid substitution p.Val559Ala. To our knowledge, this variant has not been reported in the literature. This variant is reported in 0.0065% of alleles in individuals of South Asian descent in gnomAD. At this time, the clinical significance of this variant is uncertain due to the absence of conclusive functional and genetic evidence.

NM_201384.3(PLEC):c.1595T>C (p.Val532Ala)

Gene: PLEC (plectin; minus strand). Cytogenetic location: 8q24.3.
Variant type: single nucleotide variant.
Coding change: c.1595T>C on transcript NM_201384.3 (MANE Select); coding-DNA position 1595, T replaced by C.
Protein change: p.Val532Ala; replaces valine 532 with alanine.
Molecular consequence: missense variant.
Genome position (GRCh38, 1-based): chr8:143,932,935, A>G on the plus strand (T>C on the coding strand, the complement: PLEC is on the minus strand). VCF-style: chr8-143932935-A-G. GRCh37 (hg19) VCF-style: chr8-145007103-A-G.
Other names: c.1676T>C, p.Val559Ala (NM_000445.5, NM_001410941.1); c.1553T>C, p.Val518Ala (NM_201378.4); c.1529T>C, p.Val510Ala (NM_201379.3); c.2006T>C, p.Val669Ala (NM_201380.4); c.1499T>C, p.Val500Ala (NM_201381.3); c.1595T>C, p.Val532Ala (NM_201382.4); c.1607T>C, p.Val536Ala (NM_201383.3); short protein forms V500A, V510A, V518A, V532A, V536A, V559A, V669A.
Identifiers: ClinVar variation 4984385 (VCV004984385.1).